The following is an entry in ClinVar:

ClinVar aggregate classification (germline): Conflicting classifications of pathogenicity. Review status: criteria provided, conflicting classifications (1 of 4 stars). 2 submissions from 2 submitters: Uncertain significance (1); Likely benign (1). Last evaluated 2026-07-29.

Conditions:
Inborn genetic diseases. Identifiers: MedGen C0950123, MeSH D030342.

Allele frequency attached by ClinVar (database versions not stated): gnomAD exomes below 0.00001 and 0.00001; gnomAD 0.00001; TOPMed below 0.00001; ExAC 0.00001.
gnomAD v4.1: 5 of 1,613,500 alleles (0.00031%); highest among the groups gnomAD compares: Non-Finnish European, 0.00042%; no homozygotes.

Submissions (2):

Ambry Genetics
Classification: Uncertain significance for Inborn genetic diseases. Last evaluated: 2026-07-29. Review status: criteria provided, single submitter. Criteria: Ambry Variant Classification Scheme 2023. Collection method: clinical testing. Allele origin: germline.
Comment: The c.331T>G (p.S111A) alteration is located in exon 4 (coding exon 4) of the PPP2R1A gene. This alteration results from a T to G substitution at nucleotide position 331, causing the serine (S) at amino acid position 111 to be replaced by an alanine (A). Based on data from gnomAD, the G allele has an overall frequency of <0.001% (1/251092) total alleles studied. The highest observed frequency was 0.001% (1/113448) of European (non-Finnish) alleles. Based on insufficient or conflicting evidence, the clinical significance of this alteration remains unclear.

Labcorp Genetics (formerly Invitae), Labcorp
Classification: Likely benign. Last evaluated: 2024-07-15. Review status: criteria provided, single submitter. Criteria: Invitae Variant Classification Sherloc (09022015). Collection method: clinical testing. Allele origin: germline.

NM_014225.6(PPP2R1A):c.331T>G (p.Ser111Ala)

Gene: PPP2R1A (protein phosphatase 2 scaffold subunit Aalpha; plus strand). Cytogenetic location: 19q13.41.
Variant type: single nucleotide variant.
Coding change: c.331T>G on transcript NM_014225.6 (MANE Select); coding-DNA position 331, T replaced by G.
Protein change: p.Ser111Ala; replaces serine 111 with alanine.
Molecular consequence: missense variant. On other transcripts: 5 prime UTR variant (1), non-coding transcript variant (1).
Genome position (GRCh38, 1-based): chr19:52,211,320, T>G. VCF-style: chr19-52211320-T-G. GRCh37 (hg19) VCF-style: chr19-52714573-T-G.
Other names: c.331T>G (NM_014225.5); c.-207T>G (NM_001363656.2); short protein forms S111A.
Identifiers: ClinVar variation 1670109 (VCV001670109.9), dbSNP rs751360442, ClinGen allele CA9621315.
Genomic context (GRCh38, chr19:52,211,320, plus strand): 5'-CCACCGCTGGAGTCGCTGGCCACAGTGGAGGAGACAGTGGTGCGGGACAAGGCAGTGGAG[T>G]CCTTACGGGCCATCTCACACGAGCACTCGCCCTCTGACCTGGAGGCGCACTTTGTGCCGC-3'
Protein context (NP_055040.2, residues 101-121): ETVVRDKAVE[Ser111Ala]LRAISHEHSP